The following is an entry in ClinVar:

ClinVar aggregate classification (germline): Uncertain significance (1 of 4 stars; one submission).

Conditions:
Congenital myotonia, autosomal dominant form (THD). Also called: THOMSEN DISEASE; Myotonia congenita autosomal dominant. Identifiers: Orphanet 614, MedGen C2936781, MONDO:0008055, OMIM 160800.
Congenital myotonia, autosomal recessive form. Also called: BECKER DISEASE; Becker Generalized Myotonia; myotonia congenita, autosomal recessive. Identifiers: Orphanet 614, MedGen C0751360, MONDO:0009715, OMIM 255700.

gnomAD v4.1: 1 of 1,612,912 alleles (0.000062%); highest among the groups gnomAD compares: Non-Finnish European, 0.000085%; no homozygotes.

Submission:

Labcorp Genetics (formerly Invitae), Labcorp
Classification: Uncertain significance for Congenital myotonia, autosomal recessive form; Congenital myotonia, autosomal dominant form. Last evaluated: 2023-11-25. Review status: criteria provided, single submitter. Criteria: Invitae Variant Classification Sherloc (09022015). Collection method: clinical testing. Allele origin: germline.
Comment: This sequence change replaces arginine, which is basic and polar, with leucine, which is neutral and non-polar, at codon 53 of the CLCN1 protein (p.Arg53Leu). This variant is not present in population databases (gnomAD no frequency). This variant has not been reported in the literature in individuals affected with CLCN1-related conditions. Advanced modeling of protein sequence and biophysical properties (such as structural, functional, and spatial information, amino acid conservation, physicochemical variation, residue mobility, and thermodynamic stability) performed at Invitae indicates that this missense variant is not expected to disrupt CLCN1 protein function with a negative predictive value of 95%. In summary, the available evidence is currently insufficient to determine the role of this variant in disease. Therefore, it has been classified as a Variant of Uncertain Significance.

NM_000083.3(CLCN1):c.158G>T (p.Arg53Leu)

Gene: CLCN1 (chloride voltage-gated channel 1; plus strand). Cytogenetic location: 7q34.
Variant type: single nucleotide variant.
Coding change: c.158G>T on transcript NM_000083.3 (MANE Select); coding-DNA position 158, G replaced by T.
Protein change: p.Arg53Leu; replaces arginine 53 with leucine.
Molecular consequence: missense variant. On other transcripts: non-coding transcript variant (1).
Genome position (GRCh38, 1-based): chr7:143,316,370, G>T. VCF-style: chr7-143316370-G-T. GRCh37 (hg19) VCF-style: chr7-143013463-G-T.
Other names: short protein forms R53L.
Identifiers: ClinVar variation 2954219 (VCV002954219.3), dbSNP rs750107386, ClinGen allele CA369677573.
Genomic context (GRCh38, chr7:143,316,370, plus strand): 5'-ACGGACTGCCCTCTGAGAATGGGGGCCTCCAGCACAGGCTCCGGAAGGATGCAGGCCCCC[G>T]CCACAACGTCCACCCCACACAGGTAAAGTGCTCTAAGGGGAGAGGGGAGCCATGGATGAG-3'
Protein context (NP_000074.3, residues 43-63): QHRLRKDAGP[Arg53Leu]HNVHPTQIYG